The following is an entry in ClinVar:

ClinVar aggregate classification (germline): Pathogenic/Likely pathogenic. Review status: criteria provided, multiple submitters, no conflicts (2 of 4 stars). 10 submissions from 10 submitters: Pathogenic (3); Likely pathogenic (6). 1 of the submissions does not count toward it. Last evaluated 2026-05-07.

Conditions:
PMS2-related disorder. Also called: PMS2-related condition.
Breast and/or ovarian cancer. Identifiers: MedGen CN221562.
Lynch syndrome 4 (LYNCH4). Also called: Hereditary non-polyposis colorectal cancer, type 4; Colorectal cancer, hereditary nonpolyposis, type 4. Identifiers: Orphanet 144, MedGen C1838333, MONDO:0013699, OMIM 614337. Disease mechanism: loss of function.
Endometrial carcinoma. Also called: Endometrial carcinoma, somatic. Identifiers: MedGen C0476089, MONDO:0002447, OMIM 608089, HP:0012114.
Hereditary nonpolyposis colorectal neoplasms. Identifiers: MedGen C0009405, MeSH D003123.
Hereditary cancer-predisposing syndrome. Also called: Neoplastic Syndromes, Hereditary; Hereditary Cancer Syndrome; Tumor predisposition; Hereditary neoplastic syndrome. Identifiers: Orphanet 140162, MedGen C0027672, MeSH D009386, MONDO:0015356.

gnomAD v4.1: 3 of 1,610,888 alleles (0.00019%); highest among the groups gnomAD compares: Non-Finnish European, 0.00025%; no homozygotes.

Submissions (10):

Ambry Genetics
Classification: Likely pathogenic for Hereditary cancer-predisposing syndrome. Last evaluated: 2026-05-07. Review status: criteria provided, single submitter. Criteria: Ambry Variant Classification Scheme 2023. Collection method: clinical testing. Allele origin: germline.
Comment: The p.S46N variant (also known as c.137G>A), located in coding exon 2 of the PMS2 gene, results from a G to A substitution at nucleotide position 137. The serine at codon 46 is replaced by asparagine, an amino acid with highly similar properties. This variant has been identified likely in trans with a PMS2 pathogenic variant in an individual diagnosed with constitutional mismatch repair deficiency syndrome, whose Lynch syndrome-associated tumor and normal tissue demonstrated loss of PMS2 expression by immunohistochemistry; the tumor also displayed high frequency microsatellite instability (Jackson CC et al. Pediatr Blood Cancer 2008 Jun; 50(6):1268-70). In an in vitro study, this alteration displayed less than 10% relative repair efficiency compared to the wild-type control, a level similar to the repair-deficient control (Drost M et al. Hum. Mutat. 2013 Nov; 34(11):1477-80). Based on internal structural analysis, p.S46N is more disruptive to the structure near the ATP-binding region than a pathogenic variant at the same position (Ambry internal data). This amino acid position is highly conserved in available vertebrate species. In addition, the in silico prediction for this alteration is inconclusive. This variant is considered to be rare based on population cohorts in the Genome Aggregation Database (gnomAD). Based on the majority of available evidence to date, this variant is likely to be pathogenic.

Labcorp Genetics (formerly Invitae), Labcorp
Classification: Pathogenic for Hereditary nonpolyposis colorectal neoplasms. Last evaluated: 2026-01-18. Review status: criteria provided, single submitter. Criteria: Invitae Variant Classification Sherloc (09022015). Collection method: clinical testing. Allele origin: germline.
Comment: This sequence change replaces serine, which is neutral and polar, with asparagine, which is neutral and polar, at codon 46 of the PMS2 protein (p.Ser46Asn). This variant is present in population databases (rs121434629, gnomAD 0.002%). This missense change has been observed in individual(s) with clinical features of PMS2-related conditions (PMID: 18273873, 25006859, 26866578; internal data). In at least one individual the data is consistent with being in trans (on the opposite chromosome) from a pathogenic variant. Invitae Evidence Modeling of clinical and family history, age, sex, and reported ancestry of multiple individuals with this PMS2 variant has been performed. This variant is expected to be pathogenic with a positive predictive value of at least 99%. This is a validated machine learning model that incorporates the clinical features of 1,627,235 individuals referred to our laboratory for PMS2 testing. ClinVar contains an entry for this variant (Variation ID: 91301). Invitae Evidence Modeling of protein sequence and biophysical properties (such as structural, functional, and spatial information, amino acid conservation, physicochemical variation, residue mobility, and thermodynamic stability) indicates that this missense variant is expected to disrupt PMS2 protein function with a positive predictive value of 80%. Experimental studies have shown that this missense change affects PMS2 function (PMID: 24027009). This variant disrupts the p.Ser46 amino acid residue in PMS2. Other variant(s) that disrupt this residue have been determined to be pathogenic (PMID: 22577899, 23709753). This suggests that this residue is clinically significant, and that variants that disrupt this residue are likely to be disease-causing. For these reasons, this variant has been classified as Pathogenic.

Mayo Clinic Laboratories, Mayo Clinic
Classification: Likely pathogenic. Last evaluated: 2025-08-04. Review status: criteria provided, single submitter. Criteria: ACMG Guidelines, 2015. Collection method: clinical testing. Allele origin: germline. Observed: 3 variant alleles.
Comment: PP3, PM3_strong, PM5

Color Diagnostics, LLC DBA Color Health
Classification: Pathogenic for Hereditary cancer-predisposing syndrome. Last evaluated: 2025-06-23. Review status: criteria provided, single submitter. Criteria: ACMG Guidelines, 2015. Collection method: clinical testing. Allele origin: germline.
Comment: This missense variant replaces serine with asparagine at codon 46 of the PMS2 protein. Computational prediction suggests that this variant may have deleterious impact on protein structure and function. A functional study has shown that this variant protein causes significantly decreased mismatch repair activity in an in vitro assay (PMID: 24027009). This variant has been reported in an individual with sebaceous neoplasm and family history of colorectal cancer (PMID: 25006859) and in multiple other individuals with personal and family history of Lynch syndrome-associated cancers (communication with external laboratoriesClinVar SCV000552059.6, SCV002699807.1). This variant has been observed in an individual affected with constitutional mismatch repair deficiency in compound heterozygous state with another disease-causing variant in the same gene (PMID: 18273873). In addition, a different variant affecting the same codon (p.Ser46Ile) is considered to be disease-causing (ClinVar variation ID: 9245), suggesting that serine at this position is important for PMS2 protein function. This variant has been identified in 2/245780 chromosomes in the general population by the Genome Aggregation Database (gnomAD). Based on the available evidence, this variant is classified as Pathogenic.

GeneDx
Classification: Pathogenic. Last evaluated: 2025-03-24. Review status: criteria provided, single submitter. Criteria: GeneDx Variant Classification Process June 2021. Collection method: clinical testing. Allele origin: germline. Affected: yes.
Comment: Observed in a patient with a personal history of a sebaceous adenoma and a family history of colon cancer (PMID: 25006859); Published functional studies demonstrate a damaging effect: deficient mismatch repair activity (PMID: 24027009); In silico analysis supports that this missense variant has a deleterious effect on protein structure/function; Not observed at significant frequency in large population cohorts (gnomAD); This variant is associated with the following publications: (PMID: 34873870, 33259954, 28125078, 25871441, 26940435, 9607916, 18602922, 26866578, 21182953, 31992580, 31658756, 30155321, 28286799, 22577899, 21239990, 21376568, 18094436, 16144131, 25006859, 18273873, 24027009, 11574484)

Blueprint Genetics
Classification: Likely pathogenic for PMS2-related disorders. Last evaluated: 2024-08-13. Review status: criteria provided, single submitter. Criteria: ACMG Guidelines, 2015. Collection method: clinical testing. Allele origin: germline. Affected: yes. Observed: 5 variant alleles.

Myriad Genetics, Inc.
Classification: Likely pathogenic for Lynch syndrome 4. Last evaluated: 2023-09-18. Review status: criteria provided, single submitter. Criteria: Myriad Autosomal Dominant, Autosomal Recessive and X-Linked Classification Criteria (2023). Collection method: clinical testing. Allele origin: unknown.
Comment: This variant is considered likely pathogenic. This variant is expected to disrupt protein structure [Myriad internal data]. Functional studies indicate this variant impacts protein function [PMID: 24027009]. This variant has been reported in multiple individuals with clinical features of gene-specific disease [PMID: 25006859, 18602922, 18273873].

CHEO Genetics Diagnostic Laboratory, Children's Hospital of Eastern Ontario
Classification: Likely pathogenic for Breast and/or ovarian cancer. Last evaluated: 2021-04-15. Review status: criteria provided, single submitter. Criteria: ACMG Guidelines, 2015. Collection method: clinical testing. Allele origin: germline.

Quest Diagnostics Nichols Institute San Juan Capistrano
Classification: Likely pathogenic. Last evaluated: 2018-07-12. Review status: criteria provided, single submitter. Criteria: Quest Diagnostics criteria. Collection method: clinical testing. Allele origin: germline.

Department of Pathology and Laboratory Medicine, Sinai Health System
Classification: Likely pathogenic for Endometrial carcinoma. Review status: no assertion criteria provided. Collection method: clinical testing. Allele origin: unknown. Affected: yes. Study: The Canadian Open Genetics Repository (COGR). Not counted in ClinVar's aggregate classification.
Comment: The PMS2 p.Ser46Asn variant was identified in 2 of 370 proband chromosomes (frequency: 0.005) from individuals or families with colorectal cancer (Senter 2008, Everett 2014). The variant was also identified in dbSNP (ID: rs121434629) as "With Pathogenic allele", ClinVar (classified as uncertain significance by InSight; as likely pathogenic by Invitae; and as pathogenic by Mayo Clinic), GeneInsight-COGR, Mismatch Repair Genes Variant Database, and Insight Hereditary Tumors database (4x). The variant was not identified in Cosmic, MutDB, or Zhejiang University databases. The variant was identified in control databases in 2 of 240416 chromosomes at a frequency of 0.000008 (Genome Aggregation Database Feb 27, 2017). The variant was observed in the European population in 2 of 107732 chromosomes (freq: 0.00002), while the variant was not observed in the African, Other, Latino, Ashkenazi Jewish, East Asian, Finnish, or South Asian populations. The p.Ser46 residue is conserved across mammals and other organisms and four out of five computational analyses (PolyPhen-2, SIFT, AlignGVGD, BLOSUM, MutationTaster) suggest that the variant may impact the protein; however, this information is not predictive enough to assume pathogenicity. The variant occurs outside of the splicing consensus sequence and in silico or computational prediction software programs (SpliceSiteFinder, MaxEntScan, NNSPLICE, GeneSplicer) do not predict a difference in splicing. The variant was reported as a biallelic gene mutation, identified with the PMS2 c.137G>T mutation in an individual with sigmoid adenocarcinoma; the tumour had high microsatellite instability and both the tumour and normal tissue were PMS2-deficient on IHC (Jackson 2008). In summary, based on the above information, the clinical significance of this variant cannot be determined with certainty at this time although we would lean towards a more pathogenic role for this variant. This variant is classified as likely pathogenic.

Literature cited by the submitters: PubMed 18273873 (cited by 5 submitters); PubMed 18602922 (cited by Ambry Genetics and Myriad Genetics, Inc.); PubMed 20531397 (cited by Ambry Genetics); PubMed 24027009 (cited by 5 submitters); PubMed 25006859 (cited by 5 submitters); PubMed 26866578 (cited by Ambry Genetics and Labcorp Genetics (formerly Invitae), Labcorp); PubMed 29333623 (cited by Ambry Genetics); PubMed 22577899 (cited by Labcorp Genetics (formerly Invitae), Labcorp); PubMed 23709753 (cited by Labcorp Genetics (formerly Invitae), Labcorp).

NM_000535.7(PMS2):c.137G>A (p.Ser46Asn)

Gene: PMS2 (PMS1 homolog 2, mismatch repair system component; minus strand). Cytogenetic location: 7p22.1.
Variant type: single nucleotide variant.
Coding change: c.137G>A on transcript NM_000535.7 (MANE Select); coding-DNA position 137, G replaced by A.
Protein change: p.Ser46Asn; replaces serine 46 with asparagine.
Molecular consequence: missense variant. On other transcripts: 5 prime UTR variant (8), non-coding transcript variant (1), intron variant (3).
Genome position (GRCh38, 1-based): chr7:6,005,918, C>T on the plus strand (G>A on the coding strand, the complement: PMS2 is on the minus strand). VCF-style: chr7-6005918-C-T. GRCh37 (hg19) VCF-style: chr7-6045549-C-T.
Other names: c.-269G>A (NM_001322003.2, NM_001322005.2, NM_001322009.2 and 1 more transcripts); c.137G>A, p.Ser46Asn (NM_001322006.2, NM_001322014.2); c.-79G>A (NM_001322007.2); c.-748G>A (NM_001322011.2, NM_001322012.2); c.-348G>A (NM_001322015.2); c.-52-1860G>A (NM_001322008.2); c.-242-1860G>A (NM_001322010.2, NM_001322004.2); short protein forms S46N.
Identifiers: ClinVar variation 91301 (VCV000091301.36), dbSNP rs121434629, ClinGen allele CA009592.